The following is an entry in ClinVar:

NM_000138.5(FBN1):c.3964+5G>T

Gene: FBN1 (fibrillin 1; minus strand). Cytogenetic location: 15q21.1.
Variant type: single nucleotide variant.
Coding change: c.3964+5G>T on transcript NM_000138.5 (MANE Select); 5 bases into the intron after coding-DNA position 3964, G replaced by T.
Molecular consequence: intron variant.
Genome position (GRCh38, 1-based): chr15:48,481,650, C>A on the plus strand (G>T on the coding strand, the complement: FBN1 is on the minus strand). VCF-style: chr15-48481650-C-A. GRCh37 (hg19) VCF-style: chr15-48773847-C-A.
Identifiers: ClinVar variation 953087 (VCV000953087.7), dbSNP rs2043465883, ClinGen allele CA1139663892.

ClinVar aggregate classification (germline): Uncertain significance (1 of 4 stars; one submission).

Conditions:
Marfan syndrome (MFS). Also called: FBN1-Related Marfan Syndrome; MARFAN SYNDROME, TYPE I; Marfan syndrome type 1; Marfan's syndrome; Marfan syndrome, classic. Identifiers: Orphanet 284963, Orphanet 558, MedGen C0024796, MONDO:0007947, OMIM 154700.
Familial thoracic aortic aneurysm and aortic dissection (TAAD). Also called: Thoracic aortic aneurysms and dissections. Identifiers: Orphanet 91387, MedGen C4707243, MONDO:0019625.

Submission:

Labcorp Genetics (formerly Invitae), Labcorp
Classification: Uncertain significance for Marfan syndrome; Familial thoracic aortic aneurysm and aortic dissection. Last evaluated: 2025-10-06. Review status: criteria provided, single submitter. Criteria: Invitae Variant Classification Sherloc (09022015). Collection method: clinical testing. Allele origin: germline.
Comment: This sequence change falls in intron 32 of the FBN1 gene. It does not directly change the encoded amino acid sequence of the FBN1 protein. It affects a nucleotide within the consensus splice site. This variant is not present in population databases (gnomAD no frequency). This variant has not been reported in the literature in individuals affected with FBN1-related conditions. ClinVar contains an entry for this variant (Variation ID: 953087). Variants that disrupt the consensus splice site are a relatively common cause of aberrant splicing (PMID: 17576681, 9536098). Algorithms developed to predict the effect of sequence changes on RNA splicing suggest that this variant may disrupt the consensus splice site. In summary, the available evidence is currently insufficient to determine the role of this variant in disease. Therefore, it has been classified as a Variant of Uncertain Significance.

Literature cited by the submitters: PubMed 17576681; PubMed 9536098.